The following is an entry in ClinVar:

ClinVar aggregate classification (germline): Benign/Likely benign. Review status: criteria provided, multiple submitters, no conflicts (2 of 4 stars). 12 submissions from 10 submitters: Benign (10); Likely benign (1). 1 of the submissions does not count toward it. Last evaluated 2026-02-04.

Conditions:
Usher syndrome type 1 (USH1). Also called: RETINITIS PIGMENTOSA AND CONGENITAL DEAFNESS. Identifiers: Orphanet 231169, Orphanet 886, MedGen C1568247, MONDO:0010168, OMIM 276900.
Usher syndrome type 1D (USH1D). Also called: USHER SYNDROME, TYPE ID. Identifiers: Orphanet 231169, Orphanet 886, MedGen C1832845, MONDO:0010984, OMIM 601067.
Autosomal recessive nonsyndromic hearing loss 12. Also called: DEAFNESS, AUTOSOMAL RECESSIVE 12. Identifiers: Orphanet 90636, MedGen C1832394, MONDO:0011067, OMIM 601386.

Allele frequency attached by ClinVar (database versions not stated): ESP Exome Variant Server 0.24988; 1000 Genomes Project 30x 0.25031; 1000 Genomes Project 0.25240; TOPMed 0.26848; gnomAD 0.27003 and 0.27136; gnomAD exomes 0.27141 and 0.27356; ExAC 0.27239.
gnomAD v4.1: 437,711 of 1,612,966 alleles (27%); highest among the groups gnomAD compares: Admixed American, 30%; 60,315 homozygotes.

Submissions (12):

Labcorp Genetics (formerly Invitae), Labcorp
Classification: Benign. Last evaluated: 2026-02-04. Review status: criteria provided, single submitter. Criteria: Invitae Variant Classification Sherloc (09022015). Collection method: clinical testing. Allele origin: germline.

Women's Health and Genetics/Laboratory Corporation of America, LabCorp
Classification: Likely benign. Last evaluated: 2025-11-14. Review status: criteria provided, single submitter. Criteria: LabCorp Variant Classification Summary - May 2015. Collection method: clinical testing. Allele origin: germline.

Genome-Nilou Lab
Classification: Benign for Usher syndrome type 1D. Last evaluated: 2021-07-01. Review status: criteria provided, single submitter. Criteria: ACMG Guidelines, 2015. Collection method: clinical testing. Allele origin: germline. Affected: no.

Genome-Nilou Lab
Classification: Benign for Autosomal recessive nonsyndromic hearing loss 12. Last evaluated: 2021-07-01. Review status: criteria provided, single submitter. Criteria: ACMG Guidelines, 2015. Collection method: clinical testing. Allele origin: germline. Affected: no.

Mayo Clinic Laboratories, Mayo Clinic
Classification: Benign. Last evaluated: 2020-10-01. Review status: criteria provided, single submitter. Criteria: ACMG Guidelines, 2015. Collection method: clinical testing. Allele origin: germline. Observed: 76 variant alleles.

Illumina Laboratory Services, Illumina
Classification: Benign for Autosomal recessive nonsyndromic hearing loss 12. Last evaluated: 2018-01-12. Review status: criteria provided, single submitter. Criteria: ICSL Variant Classification Criteria 13 December 2019. Collection method: clinical testing. Allele origin: germline.
Comment: This variant was observed in the ICSL laboratory as part of a predisposition screen in an ostensibly healthy population. It had not been previously curated by ICSL or reported in the Human Gene Mutation Database (HGMD: prior to June 1st, 2018), and was therefore a candidate for classification through an automated scoring system. Utilizing variant allele frequency, disease prevalence and penetrance estimates, and inheritance mode, an automated score was calculated to assess if this variant is too frequent to cause the disease. Based on the score and internal cut-off values, a variant classified as benign is not then subjected to further curation. The score for this variant resulted in a classification of benign for this disease.

Illumina Laboratory Services, Illumina
Classification: Benign for Usher syndrome type 1D. Last evaluated: 2018-01-12. Review status: criteria provided, single submitter. Criteria: ICSL Variant Classification Criteria 13 December 2019. Collection method: clinical testing. Allele origin: germline.
Comment: the same text as in the submission from Illumina Laboratory Services, Illumina above.

GeneDx
Classification: Benign. Last evaluated: 2015-03-03. Review status: criteria provided, single submitter. Criteria: GeneDx Variant Classification Process June 2021. Collection method: clinical testing. Allele origin: germline. Affected: yes.

Laboratory for Molecular Medicine, Mass General Brigham Personalized Medicine
Classification: Benign. Last evaluated: 2009-06-09. Review status: criteria provided, single submitter. Criteria: LMM Criteria. Collection method: clinical testing. Allele origin: germline. Observed: 968 variant alleles.

Breakthrough Genomics
Classification: Benign. Review status: criteria provided, single submitter. Criteria: ACMG Guidelines, 2015. Collection method: not provided. Allele origin: germline. Inheritance: Autosomal recessive inheritance. Affected: yes.

PreventionGenetics, part of Exact Sciences
Classification: Benign. Review status: criteria provided, single submitter. Criteria: ACMG Guidelines, 2015. Collection method: clinical testing. Allele origin: germline.

Natera, Inc.
Classification: Benign for Usher syndrome type 1. Last evaluated: 2020-09-16. Review status: no assertion criteria provided. Collection method: clinical testing. Allele origin: germline. Not counted in ClinVar's aggregate classification.

NM_022124.6(CDH23):c.1487G>A (p.Ser496Asn)

Gene: CDH23 (cadherin related 23; plus strand). Cytogenetic location: 10q22.1.
Variant type: single nucleotide variant.
Coding change: c.1487G>A on transcript NM_022124.6 (MANE Select); coding-DNA position 1487, G replaced by A.
Protein change: p.Ser496Asn; replaces serine 496 with asparagine.
Molecular consequence: missense variant.
Genome position (GRCh38, 1-based): chr10:71,675,149, G>A. VCF-style: chr10-71675149-G-A. GRCh37 (hg19) VCF-style: chr10-73434906-G-A.
Other names: c.1487G>A, p.Ser496Asn (NM_001171930.2, NM_001171931.2); short protein forms S496N.
Identifiers: ClinVar variation 45875 (VCV000045875.27), dbSNP rs10999947, ClinGen allele CA137287.